The following is an entry in ClinVar:

ClinVar aggregate classification (germline): Benign/Likely benign. Review status: criteria provided, multiple submitters, no conflicts (2 of 4 stars). 4 submissions from 4 submitters: Benign (3); Likely benign (1). Last evaluated 2025-11-01.

Allele frequency attached by ClinVar (database versions not stated): 1000 Genomes Project 30x 0.00109; 1000 Genomes Project 0.00120; gnomAD exomes 0.00209 and 0.00351; gnomAD 0.00216 and 0.00224; TOPMed 0.00229; ESP Exome Variant Server 0.00248; ExAC 0.00306.
gnomAD v4.1: 5,343 of 1,583,774 alleles (0.34%); highest among the groups gnomAD compares: Non-Finnish European, 0.42%; 14 homozygotes.

Submissions (4):

CeGaT Center for Human Genetics Tuebingen
Classification: Benign. Last evaluated: 2025-11-01. Review status: criteria provided, single submitter. Criteria: CeGaT Center For Human Genetics Tuebingen Variant Classification Criteria Version 2. Collection method: clinical testing. Allele origin: germline. Affected: yes. Observed: 2 variant alleles.
Comment: PRR12: BP4, BP7, BS1, BS2

Blueprint Genetics
Classification: Likely benign. Last evaluated: 2024-11-28. Review status: criteria provided, single submitter. Criteria: ACMG Guidelines, 2015. Collection method: clinical testing. Allele origin: germline.

Labcorp Genetics (formerly Invitae), Labcorp
Classification: Benign. Last evaluated: 2019-12-31. Review status: criteria provided, single submitter. Criteria: Invitae Variant Classification Sherloc (09022015). Collection method: clinical testing. Allele origin: germline.

Breakthrough Genomics
Classification: Benign. Review status: criteria provided, single submitter. Criteria: ACMG Guidelines, 2015. Collection method: not provided. Allele origin: germline. Inheritance: Autosomal dominant inheritance. Affected: yes.

NM_020719.3(PRR12):c.5160G>A (p.Glu1720=)

Gene: PRR12 (proline rich 12; plus strand). Cytogenetic location: 19q13.33.
Variant type: single nucleotide variant.
Coding change: c.5160G>A on transcript NM_020719.3 (MANE Select); coding-DNA position 5160, G replaced by A.
Protein change: p.Glu1720=; no amino-acid change (glutamic acid 1720 retained).
Molecular consequence: synonymous variant.
Genome position (GRCh38, 1-based): chr19:49,615,882, G>A. VCF-style: chr19-49615882-G-A. GRCh37 (hg19) VCF-style: chr19-50119139-G-A.
Identifiers: ClinVar variation 781471 (VCV000781471.30), dbSNP rs202087325, ClinGen allele CA9578637.